The following is an entry in ClinVar:

ClinVar aggregate classification (germline): Uncertain significance (1 of 4 stars; one submission).

Conditions:
Cardiovascular phenotype. Identifiers: MedGen CN230736.

Submission:

Ambry Genetics
Classification: Uncertain significance for Cardiovascular phenotype. Last evaluated: 2020-05-15. Review status: criteria provided, single submitter. Criteria: Ambry Variant Classification Scheme 2023. Collection method: clinical testing. Allele origin: germline.
Comment: The p.T177S variant (also known as c.530C>G), located in coding exon 4 of the MYH7 gene, results from a C to G substitution at nucleotide position 530. The amino acid change results in threonine to serine at codon 177, an amino acid with similar properties. This variant co-occurred with a variant in another cardiac-related gene in an individual from a hypertrophic cardiomyopathy (HCM) cohort (Mademont-Soler I et al. PLoS ONE, 2017 Aug;12:e0181465). A different variant affecting this codon (p.T177I, c.530C>T) has been detected in HCM cohorts (Homburger JR et al. Proc. Natl. Acad. Sci. U.S.A.. 2016 06;113(24):6701-6). This amino acid position is highly conserved in available vertebrate species. In addition, the in silico prediction for this alteration is inconclusive.Since supporting evidence is limited at this time, the clinical significance of this alteration remains unclear.

Literature cited by the submitters: PubMed 27247418; PubMed 28771489.

NM_000257.4(MYH7):c.530C>G (p.Thr177Ser)

Gene: MYH7 (myosin heavy chain 7; minus strand). Cytogenetic location: 14q11.2.
Variant type: single nucleotide variant.
Coding change: c.530C>G on transcript NM_000257.4 (MANE Select); coding-DNA position 530, C replaced by G.
Protein change: p.Thr177Ser; replaces threonine 177 with serine.
Molecular consequence: missense variant.
Genome position (GRCh38, 1-based): chr14:23,432,479, G>C on the plus strand (C>G on the coding strand, the complement: MYH7 is on the minus strand). VCF-style: chr14-23432479-G-C. GRCh37 (hg19) VCF-style: chr14-23901688-G-C.
Other names: c.530C>G, p.Thr177Ser (NM_001407004.1); short protein forms T177S.
Identifiers: ClinVar variation 1746746 (VCV001746746.2), dbSNP rs752930302, ClinGen allele CA389052613.